The following is an entry in ClinVar:

NM_001163809.2(WDR81):c.4435del (p.Val1479fs)

Gene: WDR81 (WD repeat domain 81; plus strand). Cytogenetic location: 17p13.3.
Variant type: Deletion.
Coding change: c.4435del on transcript NM_001163809.2 (MANE Select); coding-DNA position 4435, one base deleted (G; older notation c.4435delG).
Protein change: p.Val1479fs; shifts the reading frame from valine 1479.
Molecular consequence: frameshift variant.
Genome position (GRCh38, 1-based): chr17:1,732,777, G deleted; the last of 2 consecutive G bases (chr17:1,732,776-1,732,777); deleting either gives the same sequence. VCF-style (leftmost placement, unchanged base first): chr17-1732775-AG-A. GRCh37 (hg19) VCF-style: chr17-1636069-AG-A.
Other names: c.826del, p.Val276fs (NM_001163673.2); c.754del, p.Val252fs (NM_001163811.2); c.1282del, p.Val428fs (NM_152348.4); short protein forms V1479fs, V252fs, V276fs, V428fs.
Identifiers: ClinVar variation 4884179 (VCV004884179.2).

ClinVar aggregate classification (germline): Likely pathogenic (1 of 4 stars; one submission).

Submission:

Dasa
Classification: Likely pathogenic. Last evaluated: 2025-01-30. Review status: criteria provided, single submitter. Criteria: DASA Assertion Criteria. Collection method: clinical testing. Allele origin: germline.
Comment: NM_001163809.2(WDR81):c.4435del (p.Val1479Cysfs*124) is a frameshift variant in WDR81 predicted to alter the reading frame and introduce a premature termination codon and is predicted to result in an absent or altered protein product. Loss of function is an established disease mechanism for WDR81-associated disorders. Also, this variant is rare in population databases. Based on the currently available evidence, this variant is classified as likely pathogenic.